The following is an entry in ClinVar:

ClinVar aggregate classification (germline): Uncertain significance. Review status: criteria provided, multiple submitters, no conflicts (2 of 4 stars). 2 submissions from 2 submitters: Uncertain significance (2). Last evaluated 2021-06-24.

Allele frequency attached by ClinVar (database versions not stated): ExAC 0.00001; gnomAD 0.00001; gnomAD exomes 0.00001; TOPMed 0.00001; 1000 Genomes Project 30x 0.00016; 1000 Genomes Project 0.00020.
gnomAD v4.1: 6 of 1,613,640 alleles (0.00037%); highest among the groups gnomAD compares: Admixed American, 0.0017%; no homozygotes.

Submissions (2):

Labcorp Genetics (formerly Invitae), Labcorp
Classification: Uncertain significance. Last evaluated: 2021-06-24. Review status: criteria provided, single submitter. Criteria: Invitae Variant Classification Sherloc (09022015). Collection method: clinical testing. Allele origin: germline.
Comment: This variant is present in population databases (rs201035117, ExAC 0.01%). This sequence change replaces arginine with histidine at codon 477 of the EFEMP1 protein (p.Arg477His). The arginine residue is highly conserved and there is a small physicochemical difference between arginine and histidine. This variant has not been reported in the literature in individuals with EFEMP1-related conditions. Algorithms developed to predict the effect of missense changes on protein structure and function are either unavailable or do not agree on the potential impact of this missense change (SIFT: "Deleterious"; PolyPhen-2: "Probably Damaging"; Align-GVGD: "Class C0"). In summary, the available evidence is currently insufficient to determine the role of this variant in disease. Therefore, it has been classified as a Variant of Uncertain Significance.

Blueprint Genetics
Classification: Uncertain significance. Last evaluated: 2021-04-28. Review status: criteria provided, single submitter. Criteria: ACMG Guidelines, 2015. Collection method: clinical testing. Allele origin: germline.

NM_001039348.3(EFEMP1):c.1430G>A (p.Arg477His)

Gene: EFEMP1 (EGF-like fibulin extracellular matrix protein 1; minus strand). Cytogenetic location: 2p16.1.
Variant type: single nucleotide variant.
Coding change: c.1430G>A on transcript NM_001039348.3 (MANE Select); coding-DNA position 1430, G replaced by A.
Protein change: p.Arg477His; replaces arginine 477 with histidine.
Molecular consequence: missense variant.
Genome position (GRCh38, 1-based): chr2:55,867,125, C>T on the plus strand (G>A on the coding strand, the complement: EFEMP1 is on the minus strand). VCF-style: chr2-55867125-C-T. GRCh37 (hg19) VCF-style: chr2-56094260-C-T.
Other names: c.1430G>A, p.Arg477His (NM_001039349.3); short protein forms R477H.
Identifiers: ClinVar variation 866024 (VCV000866024.12), dbSNP rs201035117, ClinGen allele CA1668682.